The following is an entry in ClinVar:

ClinVar aggregate classification (germline): Uncertain significance (1 of 4 stars; one submission).

Allele frequency attached by ClinVar (database versions not stated): ExAC 0.00002; gnomAD 0.00002; gnomAD exomes 0.00013.
gnomAD v4.1: 194 of 1,614,064 alleles (0.012%); highest among the groups gnomAD compares: Non-Finnish European, 0.016%; no homozygotes.

Submission:

Labcorp Genetics (formerly Invitae), Labcorp
Classification: Uncertain significance. Last evaluated: 2025-10-02. Review status: criteria provided, single submitter. Criteria: Invitae Variant Classification Sherloc (09022015). Collection method: clinical testing. Allele origin: germline.
Comment: This sequence change replaces aspartic acid, which is acidic and polar, with valine, which is neutral and non-polar, at codon 110 of the NDUFS2 protein (p.Asp110Val). This variant is present in population databases (rs762996524, gnomAD 0.007%). This missense change has been observed in individual(s) with mitochondrial complex I deficiency (PMID: 22200994). ClinVar contains an entry for this variant (Variation ID: 2202875). Invitae Evidence Modeling of protein sequence and biophysical properties (such as structural, functional, and spatial information, amino acid conservation, physicochemical variation, residue mobility, and thermodynamic stability) indicates that this missense variant is not expected to disrupt NDUFS2 protein function with a negative predictive value of 80%. In summary, the available evidence is currently insufficient to determine the role of this variant in disease. Therefore, it has been classified as a Variant of Uncertain Significance.

Literature cited by the submitters: PubMed 22200994.

NM_001377299.1(NDUFS2):c.329A>T (p.Asp110Val)

Gene: NDUFS2 (NADH:ubiquinone oxidoreductase core subunit S2; plus strand). Cytogenetic location: 1q23.3.
Variant type: single nucleotide variant.
Coding change: c.329A>T on transcript NM_001377299.1 (MANE Select); coding-DNA position 329, A replaced by T.
Protein change: p.Asp110Val; replaces aspartic acid 110 with valine.
Molecular consequence: missense variant. On other transcripts: non-coding transcript variant (1).
Genome position (GRCh38, 1-based): chr1:161,206,533, A>T. VCF-style: chr1-161206533-A-T. GRCh37 (hg19) VCF-style: chr1-161176323-A-T.
Other names: c.329A>T, p.Asp110Val (NM_001166159.2, NM_001377298.1, NM_001377300.1 and 4 more transcripts); short protein forms D110V.
Identifiers: ClinVar variation 2202875 (VCV002202875.2), dbSNP rs762996524, ClinGen allele CA1208534.